The following is an entry in ClinVar:

NC_012920.1(MT-ND5):m.13147C>T

Gene: MT-ND5 (mitochondrially encoded NADH dehydrogenase 5; plus strand).
Variant type: single nucleotide variant.
Genome position: chrM-13147-C-T.
Identifiers: ClinVar variation 693526 (VCV000693526.1), dbSNP rs1603224061, ClinGen allele CA414816693.

ClinVar aggregate classification (germline): Uncertain significance (1 of 4 stars; one submission).

Conditions:
Leigh syndrome (NULS). Also called: Leigh's necrotizing encephalopathy; Leigh's disease; Leigh Syndrome (mtDNA deletion); Leigh Disease; Subacute necrotizing encephalopathy; Necrotizing encephalopathy infantile subacute of Leigh. Identifiers: Orphanet 506, MedGen C2931891, MONDO:0009723, OMIM 256000.

Submission:

Wong Mito Lab, Molecular and Human Genetics, Baylor College of Medicine
Classification: Uncertain significance for Leigh syndrome. Last evaluated: 2019-10-17. Review status: criteria provided, single submitter. Criteria: Modified ACMG Guidelines (Unpublished). Collection method: clinical testing. Allele origin: germline.
Comment: The NC_012920.1:m.13147C>T (YP_003024036.1:p.Pro271Ser) variant in MTND5 gene is interpretated to be a Uncertain Significance variant based on the modified ACMG guidelines (unpublished). This variant meets the following evidence codes: BP4